The following continues an entry in ClinVar:

NM_000059.4(BRCA2):c.4131_4132insTGAGGA (p.Thr1378Ter)

Gene: BRCA2. ClinVar aggregate classification (germline): Pathogenic. Pathogenic (1).

Submissions 12 to 16 of 16:

GeneDx
Classification: Pathogenic. Last evaluated: 2021-06-04. Review status: criteria provided, single submitter. Criteria: GeneDx Variant Classification Process June 2021. Collection method: clinical testing. Allele origin: germline. Affected: yes. Not counted in ClinVar's aggregate classification.
Comment: Nonsense variant predicted to result in protein truncation or nonsense mediated decay in a gene for which loss-of-function is a known mechanism of disease; Truncating variants in this gene are considered pathogenic by a well-established clinical consortium and/or database; Also known as 4359_4360insTGAGGA or 4359ins6; Not observed at significant frequency in large population cohorts (Lek 2016); This variant is associated with the following publications: (PMID: 27535533, 31447099, 31065452, 30128899, 31209999, 29907814, 25896959, 27376475, 25940717, 11890985, 20927582)

Women's Health and Genetics/Laboratory Corporation of America, LabCorp
Classification: Pathogenic for Hereditary breast and ovarian cancer syndrome. Last evaluated: 2020-09-11. Review status: criteria provided, single submitter. Criteria: LabCorp Variant Classification Summary - May 2015. Collection method: clinical testing. Allele origin: germline. Not counted in ClinVar's aggregate classification.
Comment: Variant summary: BRCA2 c.4131_4132insTGAGGA (p.Thr1378X) results in a premature termination codon, predicted to cause a truncation of the encoded protein or absence of the protein due to nonsense mediated decay, which are commonly known mechanisms for disease. The variant was absent in 246356 control chromosomes (gnomAD). c.4131_4132insTGAGGA has been reported in the literature in multiple individuals affected with Hereditary Breast and Ovarian Cancer Syndrome (example: Delgado_2002, Palma_2008, Ding_2011, Nicolussi_2019, Vietri_2012). These data indicate that the variant is very likely to be associated with disease. To our knowledge, no experimental evidence demonstrating an impact on protein function has been reported. Eight other ClinVar submitters (evaluation after 2014) including one expert panel (ENIGMA) cite the variant as pathogenic. Based on the evidence outlined above, the variant was classified as pathogenic.

Human Genome Sequencing Center Clinical Lab, Baylor College of Medicine
Classification: Pathogenic for Breast-ovarian cancer, familial, susceptibility to, 2. Last evaluated: 2018-04-25. Review status: criteria provided, single submitter. Criteria: ACMG Guidelines, 2015. Collection method: clinical testing. Allele origin: germline. Not counted in ClinVar's aggregate classification.
Comment: This c.4131_4132insTGAGGA (p.Asn1377_Thr1378insTer) variant in the BRCA2 gene has been reported in multiple breast cancer and pancreatic cancer patients [PMID: 11890985, 25940717] while not observed in general population according to gnomad database. This variant has been reported by multiple clinical test center as disease-causing according to ClinVar database. This variant is predicted to cause loss of function of normal protein through mRNA decay or producing a truncated protein, which is a known disease mechanism for this gene. Based on current evidences, this c.4131_4132insTGAGGA (p.Asn1377_Thr1378insTer) variant in the BRCA2 gene is classified as pathogenic.

Consortium of Investigators of Modifiers of BRCA1/2 (CIMBA), c/o University of Cambridge
Classification: Pathogenic for Breast-ovarian cancer, familial, susceptibility to, 2. Last evaluated: 2015-10-02. Review status: criteria provided, single submitter. Criteria: CIMBA Mutation Classification guidelines May 2016. Collection method: clinical testing. Allele origin: germline. Not counted in ClinVar's aggregate classification.

Breast Cancer Information Core (BIC) (BRCA2)
Classification: Pathogenic for Breast-ovarian cancer, familial 2. Last evaluated: 2002-05-29. Review status: no assertion criteria provided. Collection method: clinical testing. Allele origin: germline. Affected: yes. Observed: 12 variant alleles. Not counted in ClinVar's aggregate classification.

Literature cited by the submitters: PubMed 16199546 (cited by Dasa); PubMed 17063271 (cited by Dasa); PubMed 25632310 (cited by Dasa); PubMed 20104584 (cited by Labcorp Genetics (formerly Invitae), Labcorp); PubMed 11890985 (cited by 4 submitters); PubMed 20927582 (cited by 4 submitters); PubMed 23096105 (cited by 4 submitters); PubMed 25896959 (cited by 4 submitters); PubMed 25940717 (cited by 4 submitters); PubMed 27376475 (cited by 4 submitters); PubMed 32012241 (cited by Color Diagnostics, LLC DBA Color Health); PubMed 32438681 (cited by Color Diagnostics, LLC DBA Color Health and Quest Diagnostics Nichols Institute San Juan Capistrano); PubMed 33471991 (cited by Color Diagnostics, LLC DBA Color Health and Quest Diagnostics Nichols Institute San Juan Capistrano); PubMed 34680878 (cited by Color Diagnostics, LLC DBA Color Health); PubMed 37240284 (cited by Color Diagnostics, LLC DBA Color Health); PubMed 31065452 (cited by Quest Diagnostics Nichols Institute San Juan Capistrano and Women's Health and Genetics/Laboratory Corporation of America, LabCorp); PubMed 18703817 (cited by Quest Diagnostics Nichols Institute San Juan Capistrano and Women's Health and Genetics/Laboratory Corporation of America, LabCorp); PubMed 29907814 (cited by Quest Diagnostics Nichols Institute San Juan Capistrano); PubMed 31447099 (cited by Quest Diagnostics Nichols Institute San Juan Capistrano); PubMed 26295337 (cited by Quest Diagnostics Nichols Institute San Juan Capistrano).